The following is an entry in ClinVar:

ClinVar aggregate classification (germline): Likely benign. Review status: criteria provided, multiple submitters, no conflicts (2 of 4 stars). 3 submissions from 3 submitters: Likely benign (2). 1 of the submissions does not count toward it. Last evaluated 2024-03-19.

Conditions:
CEP290-related disorder. Also called: CEP290-related condition; CEP290-related disorders. Identifiers: MedGen CN239314.
Nephronophthisis. Also called: Juvenile Nephronophthisis. Identifiers: Orphanet 655, MedGen C0687120, MONDO:0019005, HP:0000090.
Joubert syndrome. Also called: JOUBERT-BOLTSHAUSER SYNDROME; Familial aplasia of the vermis. Identifiers: Orphanet 475, MedGen C5979921, MONDO:0018772.
Meckel-Gruber syndrome. Also called: GRUBER SYNDROME; Dysencephalia splachnocystica; DYSENCEPHALIA SPLANCHNOCYSTICA. Identifiers: Orphanet 564, MedGen C0265215, MONDO:0018921.

Allele frequency attached by ClinVar (database versions not stated): gnomAD exomes 0.00001.
gnomAD v4.1: 14 of 1,435,570 alleles (0.00098%); highest among the groups gnomAD compares: Non-Finnish European, 0.0013%; no homozygotes.

Submissions (3):

Blueprint Genetics
Classification: Likely benign. Last evaluated: 2024-03-19. Review status: criteria provided, single submitter. Criteria: ACMG Guidelines, 2015. Collection method: clinical testing. Allele origin: germline.

Labcorp Genetics (formerly Invitae), Labcorp
Classification: Likely benign for Joubert syndrome; Meckel-Gruber syndrome; Nephronophthisis. Last evaluated: 2021-08-12. Review status: criteria provided, single submitter. Criteria: Invitae Variant Classification Sherloc (09022015). Collection method: clinical testing. Allele origin: germline.

PreventionGenetics, part of Exact Sciences
Classification: Likely benign for CEP290-related condition. Last evaluated: 2024-08-22. Review status: no assertion criteria provided. Collection method: clinical testing. Allele origin: germline. Not counted in ClinVar's aggregate classification.
Comment: This variant is classified as likely benign based on ACMG/AMP sequence variant interpretation guidelines (Richards et al. 2015 PMID: 25741868, with internal and published modifications).

NM_025114.4(CEP290):c.4813-4A>G

Gene: CEP290 (centrosomal protein 290; minus strand). Cytogenetic location: 12q21.32.
Variant type: single nucleotide variant.
Coding change: c.4813-4A>G on transcript NM_025114.4 (MANE Select); 4 bases into the intron before coding-DNA position 4813, A replaced by G.
Molecular consequence: intron variant.
Genome position (GRCh38, 1-based): chr12:88,083,234, T>C on the plus strand (A>G on the coding strand, the complement: CEP290 is on the minus strand). VCF-style: chr12-88083234-T-C. GRCh37 (hg19) VCF-style: chr12-88477011-T-C.
Identifiers: ClinVar variation 866907 (VCV000866907.11), dbSNP rs2036324053, ClinGen allele CA916083326.